The following is an entry in ClinVar:

ClinVar aggregate classification (germline): Uncertain significance (1 of 4 stars; one submission).

Allele frequency attached by ClinVar (database versions not stated): gnomAD 0.00001; ExAC 0.00002; TOPMed 0.00002; ESP Exome Variant Server 0.00008.
gnomAD v4.1: 3 of 1,554,314 alleles (0.00019%); highest among the groups gnomAD compares: African/African-American, 0.0041%; no homozygotes.

Submission:

GeneDx
Classification: Uncertain significance. Last evaluated: 2022-03-23. Review status: criteria provided, single submitter. Criteria: GeneDx Variant Classification Process June 2021. Collection method: clinical testing. Allele origin: germline. Affected: yes.
Comment: In silico analysis supports that this missense variant has a deleterious effect on protein structure/function; Has not been previously published as pathogenic or benign to our knowledge

NM_007118.4(TRIO):c.6697C>A (p.Pro2233Thr)

Gene: TRIO (trio Rho guanine nucleotide exchange factor; plus strand). Cytogenetic location: 5p15.2.
Variant type: single nucleotide variant.
Coding change: c.6697C>A on transcript NM_007118.4 (MANE Select); coding-DNA position 6697, C replaced by A.
Protein change: p.Pro2233Thr; replaces proline 2233 with threonine.
Molecular consequence: missense variant. On other transcripts: non-coding transcript variant (1).
Genome position (GRCh38, 1-based): chr5:14,485,108, C>A. VCF-style: chr5-14485108-C-A. GRCh37 (hg19) VCF-style: chr5-14485217-C-A.
Other names: short protein forms P2233T.
Identifiers: ClinVar variation 1526358 (VCV001526358.2), dbSNP rs61748186, ClinGen allele CA3207219.
Genomic context (GRCh38, chr5:14,485,108, plus strand): 5'-TAATGTTTTTTTTTTTTTAAGGTGAGTTGCCTTTGCCTGGAGGAAAATGTGGAAAATGAT[C>A]CCTGTAAATTTGCTCTGACATCGAGGACGGGTGACGTGGTAGAGACCTTCATTTTGCATT-3'
Protein context (NP_009049.2, residues 2223-2243): LCLEENVEND[Pro2233Thr]CKFALTSRTG